The following is an entry in ClinVar:

NM_002834.5(PTPN11):c.412C>T (p.Arg138Ter)

Gene: PTPN11 (protein tyrosine phosphatase non-receptor type 11; plus strand). Cytogenetic location: 12q24.13.
Variant type: single nucleotide variant.
Coding change: c.412C>T on transcript NM_002834.5 (MANE Select); coding-DNA position 412, C replaced by T.
Protein change: p.Arg138Ter; replaces arginine 138 with a stop codon.
Molecular consequence: nonsense.
Genome position (GRCh38, 1-based): chr12:112,453,274, C>T. VCF-style: chr12-112453274-C-T. GRCh37 (hg19) VCF-style: chr12-112891078-C-T.
Other names: c.412C>T, p.Arg138Ter (NM_001330437.2, NM_080601.3); c.409C>T, p.Arg137Ter (NM_001374625.1); short protein forms R138*, R137*.
Identifiers: ClinVar variation 13348 (VCV000013348.10), dbSNP rs267606989, ClinGen allele CA123050.
Genomic context (GRCh38, chr12:112,453,274, plus strand): 5'-TCTGGGAAAGAAGCAGAGAAATTATTAACTGAAAAAGGAAAACATGGTAGTTTTCTTGTA[C>T]GAGAGAGCCAGAGCCACCCTGGAGATTTTGTTCTTTCTGTGCGCACTGGTGATGACAAAG-3'

ClinVar aggregate classification (germline): Pathogenic. Review status: criteria provided, single submitter (1 of 4 stars). 2 submissions from 2 submitters: Pathogenic (1). 1 of the submissions does not count toward it. Last evaluated 2025-12-31.

Conditions:
RASopathy. Also called: rasopathies; Noonan spectrum disorder. Identifiers: Orphanet 536391, MedGen C5555857, MONDO:0021060.
Metachondromatosis (METCDS). Identifiers: Orphanet 2499, MedGen C0410530, MONDO:0007979, OMIM 156250.

Submissions (2):

Labcorp Genetics (formerly Invitae), Labcorp
Classification: Pathogenic for RASopathy. Last evaluated: 2025-12-31. Review status: criteria provided, single submitter. Criteria: Invitae Variant Classification Sherloc (09022015). Collection method: clinical testing. Allele origin: germline.
Comment: This sequence change creates a premature translational stop signal (p.Arg138*) in the PTPN11 gene. It is expected to result in an absent or disrupted protein product. Loss-of-function variants in PTPN11 are known to be pathogenic (PMID: 20577567, 21533187). This variant is not present in population databases (gnomAD no frequency). This premature translational stop signal has been observed in individual(s) with metachondromatosis (PMID: 20577567). It has also been observed to segregate with disease in related individuals. ClinVar contains an entry for this variant (Variation ID: 13348). For these reasons, this variant has been classified as Pathogenic.

OMIM
Classification: Pathogenic for METACHONDROMATOSIS. Last evaluated: 2010-06-17. Review status: no assertion criteria provided. Collection method: literature only. Allele origin: germline. Not counted in ClinVar's aggregate classification.

Literature cited by the submitters: PubMed 20577567 (cited by Labcorp Genetics (formerly Invitae), Labcorp and OMIM); PubMed 21533187 (cited by Labcorp Genetics (formerly Invitae), Labcorp).